The following is an entry in ClinVar:

NM_001853.4(COL9A3):c.520-2_520-1del

Gene: COL9A3 (collagen type IX alpha 3 chain; plus strand). Cytogenetic location: 20q13.33.
Variant type: Deletion.
Coding change: c.520-2_520-1del on transcript NM_001853.4 (MANE Select); the canonical splice acceptor site of the intron before coding-DNA position 520, 2 bases deleted (AG; older notation c.520-2_520-1delAG).
Molecular consequence: splice acceptor variant.
Genome position (GRCh38, 1-based): chr20:62,824,443-62,824,444, AG deleted. VCF-style (leftmost placement, unchanged base first): chr20-62824442-CAG-C. GRCh37 (hg19) VCF-style: chr20-61455794-CAG-C.
Identifiers: ClinVar variation 2801449 (VCV002801449.3), dbSNP rs1299792807, ClinGen allele CA636333899.

ClinVar aggregate classification (germline): Uncertain significance (1 of 4 stars; one submission).

Allele frequency attached by ClinVar (database versions not stated): TOPMed below 0.00001; gnomAD 0.00001.

Submission:

Labcorp Genetics (formerly Invitae), Labcorp
Classification: Uncertain significance. Last evaluated: 2023-12-17. Review status: criteria provided, single submitter. Criteria: Invitae Variant Classification Sherloc (09022015). Collection method: clinical testing. Allele origin: germline.
Comment: This sequence change affects a splice site in intron 10 of the COL9A3 gene. Variants that disrupt the donor or acceptor splice site typically lead to a loss of protein function (PMID:16199547), however it is unknown whether splice variants in this region will result in a loss of function. This variant is present in population databases (no rsID available, gnomAD 0.01%). This variant has not been reported in the literature in individuals affected with COL9A3-related conditions. Algorithms developed to predict the effect of sequence changes on RNA splicing suggest that this variant may disrupt the consensus splice site. In summary, the available evidence is currently insufficient to determine the role of this variant in disease. Therefore, it has been classified as a Variant of Uncertain Significance.

Literature cited by the submitters: PubMed 16199547.